The following is an entry in ClinVar:

NM_007294.4(BRCA1):c.1585C>G (p.Pro529Ala)

Gene: BRCA1 (BRCA1 DNA repair associated; minus strand). Cytogenetic location: 17q21.31.
Variant type: single nucleotide variant.
Coding change: c.1585C>G on transcript NM_007294.4 (MANE Select); coding-DNA position 1585, C replaced by G.
Protein change: p.Pro529Ala; replaces proline 529 with alanine.
Molecular consequence: missense variant. On other transcripts: intron variant (137).
Genome position (GRCh38, 1-based): chr17:43,093,946, G>C on the plus strand (C>G on the coding strand, the complement: BRCA1 is on the minus strand). VCF-style: chr17-43093946-G-C. GRCh37 (hg19) VCF-style: chr17-41245963-G-C.
Other names: p.Pro529Ala; c.1441C>G, p.Pro481Ala (NM_001407943.1, NM_001407964.1, NM_001407741.1 and 20 more transcripts); c.1444C>G, p.Pro482Ala (NM_001407944.1, NM_001407945.1, NM_007297.4 and 29 more transcripts); c.1252C>G, p.Pro418Ala (NM_001407946.1, NM_001407947.1, NM_001407948.1 and 6 more transcripts); c.1204C>G, p.Pro402Ala (NM_001407960.1, NM_001407963.1, NM_001407959.1); c.1201C>G, p.Pro401Ala (NM_001407962.1); c.1081C>G, p.Pro361Ala (NM_001407965.1); c.697C>G, p.Pro233Ala (NM_001407966.1, NM_001407967.1); and 41 more; short protein forms P233A, P361A, P401A, P402A, P417A, P418A, P440A, P441A.
Identifiers: ClinVar variation 4684220 (VCV004684220.1).

ClinVar aggregate classification (germline): Likely benign (1 of 4 stars; one submission).

Submission:

Mayo Clinic Laboratories, Mayo Clinic
Classification: Likely benign. Last evaluated: 2025-08-12. Review status: criteria provided, single submitter. Criteria: ACMG Guidelines, 2015. Collection method: clinical testing. Allele origin: germline. Observed: 1 variant allele.
Comment: BP1_strong